The following is an entry in ClinVar:

NM_000531.6(OTC):c.670G>C (p.Glu224Gln)

Gene: OTC (ornithine transcarbamylase; plus strand). Cytogenetic location: Xp11.4.
Variant type: single nucleotide variant.
Coding change: c.670G>C on transcript NM_000531.6 (MANE Select); coding-DNA position 670, G replaced by C.
Protein change: p.Glu224Gln; replaces glutamic acid 224 with glutamine.
Molecular consequence: missense variant.
Genome position (GRCh38, 1-based): chrX:38,408,748, G>C. VCF-style: chrX-38408748-G-C. GRCh37 (hg19) VCF-style: chrX-38268001-G-C.
Other names: c.670G>C, p.Glu224Gln (NM_001407092.1); short protein forms E224Q.
Identifiers: ClinVar variation 3361020 (VCV003361020.1).

ClinVar aggregate classification (germline): Uncertain significance (1 of 4 stars; one submission).

gnomAD v4.1: 1 of 1,193,974 alleles (0.000084%); highest among the groups gnomAD compares: Non-Finnish European, 0.00011%; no homozygotes.

Submission:

GeneDx
Classification: Uncertain significance. Last evaluated: 2023-07-13. Review status: criteria provided, single submitter. Criteria: GeneDx Variant Classification Process June 2021. Collection method: clinical testing. Allele origin: germline. Affected: yes.
Comment: Not observed at significant frequency in large population cohorts (gnomAD); In silico analysis supports that this missense variant does not alter protein structure/function; Has not been previously published as pathogenic or benign to our knowledge